The following is an entry in ClinVar:

NM_018444.4(PDP1):c.437del (p.His146fs)

Gene: PDP1 (pyruvate dehydrogenase phosphatase catalytic subunit 1; plus strand). Cytogenetic location: 8q22.1.
Variant type: Deletion.
Coding change: c.437del on transcript NM_018444.4 (MANE Select); coding-DNA position 437, one base deleted (A; older notation c.437delA).
Protein change: p.His146fs; shifts the reading frame from histidine 146.
Molecular consequence: frameshift variant.
Genome position (GRCh38, 1-based): chr8:93,922,496, A deleted. VCF-style (leftmost placement, unchanged base first): chr8-93922495-CA-C. GRCh37 (hg19) VCF-style: chr8-94934723-CA-C.
Other names: c.512del, p.His171fs (NM_001161779.2, NM_001161780.2); c.437del, p.His146fs (NM_001161781.2); short protein forms H171fs, H146fs.
Identifiers: ClinVar variation 4767004 (VCV004767004.1).

ClinVar aggregate classification (germline): Conflicting classifications of pathogenicity. Review status: criteria provided, conflicting classifications (1 of 4 stars). 2 submissions from 2 submitters: Pathogenic (1); Uncertain significance (1). Last evaluated 2026-01-13.

Conditions:
Pyruvate dehydrogenase phosphatase deficiency (PDHPD). Also called: LACTIC ACIDEMIA WITH PYRUVATE DEHYDROGENASE PHOSPHATASE DEFICIENCY. Identifiers: Orphanet 79246, MedGen C1837429, MONDO:0012120, OMIM 608782.

Submissions (2):

Variantyx, Inc.
Classification: Pathogenic for Pyruvate dehydrogenase phosphatase deficiency. Last evaluated: 2026-01-13. Review status: criteria provided, single submitter. Criteria: Variantyx Assertion Criteria 2022. Collection method: clinical testing. Allele origin: germline. Inheritance: Autosomal recessive inheritance. Affected: yes.
Comment: This is a frameshift variant in the PDP1 gene (OMIM: 605993). Pathogenic variants in this gene have been associated with autosomal recessive pyruvate dehydrogenase phosphatase deficiency. The clinical symptoms reported for this individual are highly specific for autosomal recessive pyruvate dehydrogenase phosphatase deficiency, which has a limited genetic etiology (PP4). This variant introduces a premature termination codon in exon 2 out of 2 and is expected to result in loss of function through protein truncation (loss of the C-terminal 367 amino acids; ~68% of the full length protein), which is a known disease mechanism for PDP1 in this disorder (PMID: 15855260, 19184109) (PVS1). This variant is absent from control populations (PM2) and has not been reported in individuals with PDP1-related disorders in the databases available for review. Based on the current evidence, this variant is classified as pathogenic for autosomal recessive pyruvate dehydrogenase phosphatase deficiency.

Labcorp Genetics (formerly Invitae), Labcorp
Classification: Uncertain significance. Last evaluated: 2025-11-03. Review status: criteria provided, single submitter. Criteria: Invitae Variant Classification Sherloc (09022015). Collection method: clinical testing. Allele origin: germline.
Comment: This sequence change creates a premature translational stop signal (p.His146Leufs*29) in the PDP1 gene. While this is not anticipated to result in nonsense mediated decay, it is expected to disrupt the last 392 amino acid(s) of the PDP1 protein. This variant is not present in population databases (gnomAD no frequency). This variant has not been reported in the literature in individuals affected with PDP1-related conditions. In summary, the available evidence is currently insufficient to determine the role of this variant in disease. Therefore, it has been classified as a Variant of Uncertain Significance.

Literature cited by the submitters: PubMed 15855260 (cited by Variantyx, Inc.); PubMed 19184109 (cited by Variantyx, Inc.).